The following is an entry in ClinVar:

NM_001366521.1(ATP2B1):c.3514C>T (p.Pro1172Ser)

Gene: ATP2B1 (ATPase plasma membrane Ca2+ transporting 1; minus strand). Cytogenetic location: 12q21.33.
Variant type: single nucleotide variant.
Coding change: c.3514C>T on transcript NM_001366521.1 (MANE Select); coding-DNA position 3514, C replaced by T.
Protein change: p.Pro1172Ser; replaces proline 1172 with serine.
Molecular consequence: missense variant. On other transcripts: 3 prime UTR variant (9), non-coding transcript variant (3).
Genome position (GRCh38, 1-based): chr12:89,591,133, G>A on the plus strand (C>T on the coding strand, the complement: ATP2B1 is on the minus strand). VCF-style: chr12-89591133-G-A. GRCh37 (hg19) VCF-style: chr12-89984910-G-A.
Other names: c.*137C>T (NM_001001323.2, NM_001366523.1, NM_001366528.1 and 2 more transcripts); c.3514C>T, p.Pro1172Ser (NM_001366520.1, NM_001366522.1, NM_001413046.1 and 2 more transcripts); c.3601C>T, p.Pro1201Ser (NM_001366524.1, NM_001366525.1); c.*150C>T (NM_001366526.1, NM_001366527.1, NM_001366529.1 and 1 more transcripts); c.3475C>T, p.Pro1159Ser (NM_001413048.1); c.3406C>T, p.Pro1136Ser (NM_001413049.1, NM_001413050.1); c.3373C>T, p.Pro1125Ser (NM_001413051.1, NM_001413052.1); c.3316C>T, p.Pro1106Ser (NM_001413053.1); and 5 more; short protein forms P1106S, P1159S, P1172S, P1201S, P1021S, P1089S, P1125S, P1087S.
Identifiers: ClinVar variation 4995035 (VCV004995035.1).
Genomic context (GRCh38, chr12:89,591,133, plus strand): 5'-TGTCAACAGCATTGTTATTTTTGTTGGGAGAGGGTGGAGGACTGGAGTTACGTTTTGTAG[G>A]AGCATCATCTTCGGCATCAGTGTCATCAATAAGGGGGATATGAGGCTCTGAATCTTCTAT-3'
Protein context (NP_001353450.1, residues 1162-1182): IDDTDAEDDA[Pro1172Ser]TKRNSSPPPS

ClinVar aggregate classification (germline): Uncertain significance (1 of 4 stars; one submission).

Conditions:
ATP2B1-related disorder. Also called: ATP2B1-related condition.

gnomAD v4.1: 1 of 1,613,284 alleles (0.000062%); highest among the groups gnomAD compares: Non-Finnish European, 0.000085%; no homozygotes.

Submission:

PreventionGenetics, part of Exact Sciences
Classification: Uncertain significance for ATP2B1-related condition. Last evaluated: 2026-01-22. Review status: criteria provided, single submitter. Criteria: ACMG Guidelines, 2015. Collection method: clinical testing. Allele origin: germline.
Comment: The ATP2B1 c.3601C>T variant is predicted to result in the amino acid substitution p.Pro1201Ser. To our knowledge, this variant has not been reported in the literature or in a large population database (gnomAD), indicating this variant is rare. At this time, the clinical significance of this variant is uncertain due to the absence of conclusive functional and genetic evidence.